The following is an entry in ClinVar:

NM_002397.5(MEF2C):c.241A>G (p.Asn81Asp)

Gene: MEF2C (myocyte enhancer factor 2C; minus strand). Cytogenetic location: 5q14.3.
Variant type: single nucleotide variant.
Coding change: c.241A>G on transcript NM_002397.5 (MANE Select); coding-DNA position 241, A replaced by G.
Protein change: p.Asn81Asp; replaces asparagine 81 with aspartic acid.
Molecular consequence: missense variant.
Genome position (GRCh38, 1-based): chr5:88,804,615, T>C on the plus strand (A>G on the coding strand, the complement: MEF2C is on the minus strand). VCF-style: chr5-88804615-T-C. GRCh37 (hg19) VCF-style: chr5-88100432-T-C.
Other names: c.241A>G, p.Asn81Asp (NM_001131005.2, NM_001193347.1, NM_001193348.1 and 29 more transcripts); short protein forms N81D.
Identifiers: ClinVar variation 2572329 (VCV002572329.1), dbSNP rs2531275882, ClinGen allele CA360424795.
Genomic context (GRCh38, chr5:88,804,615, plus strand): 5'-CCTGCTTGCGGAGGCTTGGGGCTCACCACGCATGCTCTCTCACCTCCACGATGTCTGAGT[T>C]TGTCCGGCTCTCATGCGGCTCGTTGTACTCCGTGTACTTGAGAAGCACTTTGTCCATGTC-3'
Protein context (NP_002388.2, residues 71-91): EYNEPHESRT[Asn81Asp]SDIVETLRKK

ClinVar aggregate classification (germline): Pathogenic (1 of 4 stars; one submission).

Conditions:
Neurodevelopmental disorder with hypotonia, stereotypic hand movements, and impaired language. Also called: Intellectual disability, autosomal dominant 20. Identifiers: Orphanet 228384, Orphanet 664410, MedGen C3150700, MONDO:0013266, OMIM 613443.

Submission:

Greenwood Genetic Center Diagnostic Laboratories, Greenwood Genetic Center
Classification: Pathogenic for Neurodevelopmental disorder with hypotonia, stereotypic hand movements, and impaired language. Last evaluated: 2023-04-13. Review status: criteria provided, single submitter. Criteria: ACMG Guidelines, 2015. Collection method: clinical testing. Allele origin: germline. Affected: yes.
Comment: PS2, PS4_Moderate, PM6, PM2, PP2